The following is an entry in ClinVar:

NM_002838.5(PTPRC):c.413C>T (p.Pro138Leu)

Gene: PTPRC (protein tyrosine phosphatase receptor type C; plus strand). Cytogenetic location: 1q31.3.
Variant type: single nucleotide variant.
Coding change: c.413C>T on transcript NM_002838.5 (MANE Select); coding-DNA position 413, C replaced by T.
Protein change: p.Pro138Leu; replaces proline 138 with leucine.
Molecular consequence: missense variant. On other transcripts: intron variant (1).
Genome position (GRCh38, 1-based): chr1:198,699,678, C>T. VCF-style: chr1-198699678-C-T. GRCh37 (hg19) VCF-style: chr1-198668807-C-T.
Other names: c.101-3620C>T (NM_080921.4); short protein forms P138L.
Identifiers: ClinVar variation 1387621 (VCV001387621.5), dbSNP rs752408704, ClinGen allele CA36182645.

ClinVar aggregate classification (germline): Uncertain significance (1 of 4 stars; one submission).

Conditions:
Immunodeficiency 104. Also called: Severe combined immunodeficiency, autosomal recessive, T cell-negative, B cell-positive, NK cell-positive; SCID, AUTOSOMAL RECESSIVE, T CELL-NEGATIVE, B CELL-POSITIVE, NK CELL-POSITIVE; Severe Combined Immune Deficiency, Autosomal Recessive, TCell -Negative, B Cell-Positive, NK Cell-Positive, IL7R-Related; IMMUNODEFICIENCY 104, SEVERE COMBINED. Identifiers: MedGen C5676890, MONDO:0012163, OMIM 608971.

Allele frequency attached by ClinVar (database versions not stated): TOPMed 0.00001; gnomAD 0.00003; gnomAD exomes 0.00003.
gnomAD v4.1: 57 of 1,614,072 alleles (0.0035%); highest among the groups gnomAD compares: Admixed American, 0.005%; no homozygotes.

Submission:

Labcorp Genetics (formerly Invitae), Labcorp
Classification: Uncertain significance for Immunodeficiency 104. Last evaluated: 2022-07-12. Review status: criteria provided, single submitter. Criteria: Invitae Variant Classification Sherloc (09022015). Collection method: clinical testing. Allele origin: germline.
Comment: This sequence change replaces proline, which is neutral and non-polar, with leucine, which is neutral and non-polar, at codon 138 of the PTPRC protein (p.Pro138Leu). This variant is present in population databases (rs752408704, gnomAD 0.009%). This variant has not been reported in the literature in individuals affected with PTPRC-related conditions. ClinVar contains an entry for this variant (Variation ID: 1387621). Algorithms developed to predict the effect of missense changes on protein structure and function are either unavailable or do not agree on the potential impact of this missense change (SIFT: "Deleterious"; PolyPhen-2: "Benign"; Align-GVGD: "Class C0"). In summary, the available evidence is currently insufficient to determine the role of this variant in disease. Therefore, it has been classified as a Variant of Uncertain Significance.